The following is an entry in ClinVar:

NM_015355.4(SUZ12):c.1170G>T (p.Lys390Asn)

Gene: SUZ12 (SUZ12 polycomb repressive complex 2 subunit; plus strand). Cytogenetic location: 17q11.2.
Variant type: single nucleotide variant.
Coding change: c.1170G>T on transcript NM_015355.4 (MANE Select); coding-DNA position 1170, G replaced by T.
Protein change: p.Lys390Asn; replaces lysine 390 with asparagine.
Molecular consequence: missense variant.
Genome position (GRCh38, 1-based): chr17:31,988,466, G>T. VCF-style: chr17-31988466-G-T. GRCh37 (hg19) VCF-style: chr17-30315485-G-T.
Other names: c.1101G>T, p.Lys367Asn (NM_001321207.2); short protein forms K367N, K390N.
Identifiers: ClinVar variation 5030466 (VCV005030466.1).
Genomic context (GRCh38, chr17:31,988,466, plus strand): 5'-GGCTCCTATTGCCAAACCTCTTGCCACTAGAAATTCAGAGAGTCTCCATCAGGAAAACAA[G>T]CCTGGTTCAGTTAAACCTACTCAAACTATTGGTAAGAAAACATTGCAATCAAAATAATAA-3'
Protein context (NP_056170.2, residues 380-400): RNSESLHQEN[Lys390Asn]PGSVKPTQTI

ClinVar aggregate classification (germline): Uncertain significance (1 of 4 stars; one submission).

Conditions:
Inborn genetic diseases. Identifiers: MedGen C0950123, MeSH D030342.

gnomAD v4.1: 6 of 1,606,546 alleles (0.00037%); highest among the groups gnomAD compares: Admixed American, 0.0017%; no homozygotes.

Submission:

Ambry Genetics
Classification: Uncertain significance for Inborn genetic diseases. Last evaluated: 2026-06-23. Review status: criteria provided, single submitter. Criteria: Ambry Variant Classification Scheme 2023. Collection method: clinical testing. Allele origin: germline.
Comment: The c.1170G>T (p.K390N) alteration is located in exon 10 (coding exon 10) of the SUZ12 gene. This alteration results from a G to T substitution at nucleotide position 1170, causing the lysine (K) at amino acid position 390 to be replaced by an asparagine (N). Based on data from gnomAD, the T allele has an overall frequency of <0.001% (1/242478) total alleles studied. The highest observed frequency was 0.003% (1/31770) of Latino alleles. Based on insufficient or conflicting evidence, the clinical significance of this alteration remains unclear.